The following is an entry in ClinVar:

NM_181882.3(PRX):c.346G>A (p.Glu116Lys)

Gene: PRX (periaxin; minus strand). Cytogenetic location: 19q13.2.
Variant type: single nucleotide variant.
Coding change: c.346G>A on transcript NM_181882.3 (MANE Select); coding-DNA position 346, G replaced by A.
Protein change: p.Glu116Lys; replaces glutamic acid 116 with lysine.
Molecular consequence: missense variant.
Genome position (GRCh38, 1-based): chr19:40,398,655, C>T on the plus strand (G>A on the coding strand, the complement: PRX is on the minus strand). VCF-style: chr19-40398655-C-T. GRCh37 (hg19) VCF-style: chr19-40904562-C-T.
Other names: c.346G>A, p.Glu116Lys (NM_020956.2); short protein forms E116K.
Identifiers: ClinVar variation 1478605 (VCV001478605.8), dbSNP rs770713710, ClinGen allele CA9444500.
Genomic context (GRCh38, chr19:40,398,655, plus strand): 5'-CCGGGGCCGGGCTAAGCACGCGTACCAGCTTGGCCACCTTGGCCCGCGGGCCCTTGATCT[C>T]GTAGCCAGACACGGTCCCGGGCCGCAGAGCCAGGTCCCCGGTGGGCACAGTGCGCTTCAG-3'
Protein context (NP_870998.2, residues 106-126): ALRPGTVSGY[Glu116Lys]IKGPRAKVAK

ClinVar aggregate classification (germline): Uncertain significance (1 of 4 stars; one submission).

Conditions:
Charcot-Marie-Tooth disease type 4. Also called: Charcot-Marie-Tooth, Type 4; Charcot-Marie-Tooth disease, type IV. Identifiers: Orphanet 64749, MedGen C4082197, MONDO:0018995.

Allele frequency attached by ClinVar (database versions not stated): ExAC 0.00001; gnomAD exomes 0.00001.

Submission:

Labcorp Genetics (formerly Invitae), Labcorp
Classification: Uncertain significance for Charcot-Marie-Tooth disease type 4. Last evaluated: 2022-11-22. Review status: criteria provided, single submitter. Criteria: Invitae Variant Classification Sherloc (09022015). Collection method: clinical testing. Allele origin: germline.
Comment: In summary, the available evidence is currently insufficient to determine the role of this variant in disease. Therefore, it has been classified as a Variant of Uncertain Significance. Algorithms developed to predict the effect of missense changes on protein structure and function are either unavailable or do not agree on the potential impact of this missense change (SIFT: "Tolerated"; PolyPhen-2: "Possibly Damaging"; Align-GVGD: "Class C0"). ClinVar contains an entry for this variant (Variation ID: 1478605). This variant has not been reported in the literature in individuals affected with PRX-related conditions. This variant is present in population databases (rs770713710, gnomAD 0.006%). This sequence change replaces glutamic acid, which is acidic and polar, with lysine, which is basic and polar, at codon 116 of the PRX protein (p.Glu116Lys).